The following is an entry in ClinVar:

NM_000170.3(GLDC):c.2405C>T (p.Ala802Val)

Gene: GLDC (glycine decarboxylase; minus strand). Cytogenetic location: 9p24.1.
Variant type: single nucleotide variant.
Coding change: c.2405C>T on transcript NM_000170.3 (MANE Select); coding-DNA position 2405, C replaced by T.
Protein change: p.Ala802Val; replaces alanine 802 with valine.
Molecular consequence: missense variant.
Genome position (GRCh38, 1-based): chr9:6,553,420, G>A on the plus strand (C>T on the coding strand, the complement: GLDC is on the minus strand). VCF-style: chr9-6553420-G-A. GRCh37 (hg19) VCF-style: chr9-6553420-G-A.
Other names: short protein forms A802V.
Identifiers: ClinVar variation 11987 (VCV000011987.20), dbSNP rs121964977, ClinGen allele CA256164.

ClinVar aggregate classification (germline): Pathogenic. Review status: criteria provided, multiple submitters, no conflicts (2 of 4 stars). 7 submissions from 7 submitters: Pathogenic (6). 1 of the submissions does not count toward it. Last evaluated 2026-01-27.

Conditions:
Glycine encephalopathy 1 (GCE1). Identifiers: MedGen CN376801, MONDO:0958179, OMIM 605899.
Glycine encephalopathy. Also called: Non-ketotic hyperglycinemia; Nonketotic hyperglycinemia. Identifiers: Orphanet 407, MedGen C0751748, MONDO:0011612, HP:0008288.

Allele frequency attached by ClinVar (database versions not stated): gnomAD exomes 0.00001 and 0.00003; TOPMed 0.00003; gnomAD 0.00001.
gnomAD v4.1: 41 of 1,613,098 alleles (0.0025%); highest among the groups gnomAD compares: Non-Finnish European, 0.0033%; no homozygotes.

Submissions (7):

3billion
Classification: Pathogenic for Glycine encephalopathy 1. Last evaluated: 2026-01-27. Review status: criteria provided, single submitter. Criteria: ACMG Guidelines, 2015. Collection method: clinical testing. Allele origin: germline. Affected: yes.
Comment: The variant is observed at an extremely low frequency in the gnomAD v4.1.0 dataset (total allele frequency: 0.003%). Predicted Consequence/Location: Missense variant In silico tool predictions suggest damaging effect of the variant on gene or gene product [REVEL: 0.93 (>=0.6, sensitivity 0.68 and specificity 0.92)]. The same nucleotide change resulting in the same amino acid change has been previously reported as pathogenic/likely pathogenic with strong evidence (ClinVar ID: VCV000011987 /PMID: 15236413). The variant has been reported to be in trans with a pathogenic variant as either compound heterozygous or homozygous in at least one similarly affected unrelated individual (PMID: 15236413). The variant has been reported to co-segregate with the disease in at least one similarly affected relative/individual in the same family or similarly affected unrelated families (PMID: 15236413). A different missense change at the same codon (p.Ala802Glu) has been reported to be associated with GLDC-related disorder (PMID: 26179960). Therefore, this variant is classified as Pathogenic according to the recommendation of ACMG/AMP guideline.

Natera, Inc.
Classification: Pathogenic for Non-ketotic hyperglycinemia. Last evaluated: 2025-08-25. Review status: criteria provided, single submitter. Criteria: Natera Variant Classification Schema (03/2026). Collection method: clinical testing. Allele origin: germline.
Comment: The c.2405C>T variant in GLDC is a missense variant predicted to cause substitution of alanine to valine at amino acid 802. This variant is rare in the general population with a frequency below the threshold expected for the associated phenotype(s). This variant has been observed in one or more individuals affected with the associated recessive disease, as either homozygous or compound heterozygous with a second variant (PMID: 15236413, 26179960). Computational prediction algorithms indicate this variant is likely to affect gene or protein function. Given the available evidence, this variant is classified as Pathogenic.

Labcorp Genetics (formerly Invitae), Labcorp
Classification: Pathogenic for Glycine encephalopathy. Last evaluated: 2024-04-15. Review status: criteria provided, single submitter. Criteria: Invitae Variant Classification Sherloc (09022015). Collection method: clinical testing. Allele origin: germline.
Comment: This sequence change replaces alanine, which is neutral and non-polar, with valine, which is neutral and non-polar, at codon 802 of the GLDC protein (p.Ala802Val). This variant is present in population databases (rs121964977, gnomAD 0.0009%). This missense change has been observed in individual(s) with nonketotic hyperglycinemia (PMID: 15236413, 27362913). It has also been observed to segregate with disease in related individuals. ClinVar contains an entry for this variant (Variation ID: 11987). Advanced modeling of protein sequence and biophysical properties (such as structural, functional, and spatial information, amino acid conservation, physicochemical variation, residue mobility, and thermodynamic stability) performed at Invitae indicates that this missense variant is expected to disrupt GLDC protein function with a positive predictive value of 80%. Experimental studies have shown that this missense change affects GLDC function (PMID: 15236413). For these reasons, this variant has been classified as Pathogenic.

GeneDx
Classification: Pathogenic. Last evaluated: 2024-01-04. Review status: criteria provided, single submitter. Criteria: GeneDx Variant Classification Process June 2021. Collection method: clinical testing. Allele origin: germline. Affected: yes.
Comment: Published functional studies demonstrate a damaging effect: significantly diminished glycine decarboxylase activity compared to wild type (PMID: 15236413); A different missense change at this residue (A802E) has been reported in published literature (PMID: 26179960); Not observed at a significant frequency in large population cohorts (gnomAD); In silico analysis supports that this missense variant has a deleterious effect on protein structure/function; This variant is associated with the following publications: (PMID: 28325525, 15236413, 15272469, 26749113, 29232014, 21411353, 27362913, 35095998)

Revvity Omics, Revvity
Classification: Pathogenic for Glycine encephalopathy 1. Last evaluated: 2021-11-25. Review status: criteria provided, single submitter. Criteria: ACMG Guidelines, 2015. Collection method: clinical testing. Allele origin: germline.

Genomic Research Center, Shahid Beheshti University of Medical Sciences
Classification: Pathogenic for Non-ketotic hyperglycinemia. Last evaluated: 2017-06-18. Review status: criteria provided, single submitter. Criteria: ACMG Guidelines, 2015. Collection method: clinical testing. Allele origin: inherited. Affected: yes. Observed: 1 variant allele.

OMIM
Classification: Pathogenic for GLYCINE ENCEPHALOPATHY 1. Last evaluated: 2004-07-01. Review status: no assertion criteria provided. Collection method: literature only. Allele origin: germline. Not counted in ClinVar's aggregate classification.

Literature cited by the submitters: PubMed 26179960 (cited by 3billion and Natera, Inc.); PubMed 15236413 (cited by 4 submitters); PubMed 27362913 (cited by Labcorp Genetics (formerly Invitae), Labcorp).